The following is an entry in ClinVar:

ClinVar aggregate classification (germline): Likely benign (1 of 4 stars; one submission).

Conditions:
Cerebellar dysfunction with variable cognitive and behavioral abnormalities (CECBA). Also called: Nonprogressive cerebellar atxia with intellectual disability. Identifiers: Orphanet 314647, MedGen C3553661, MONDO:0013886, OMIM 614756.

gnomAD v4.1: 8 of 1,611,714 alleles (0.0005%); highest among the groups gnomAD compares: South Asian, 0.0088%; no homozygotes.

Submission:

Centre for Medical Genetics,  Mumbai
Classification: Likely benign for Cerebellar dysfunction with variable cognitive and behavioral abnormalities. Last evaluated: 2026-03-14. Review status: criteria provided, single submitter. Criteria: ACMG Guidelines, 2015. Collection method: provider interpretation. Allele origin: germline. Inheritance: Autosomal dominant inheritance. Affected: no. Observed: 1 variant allele, 1 heterozygote.
Comment: The variant satisfies PM2 criteria; Extremely low frequency in gnomAD population databases. The variant satisfies PP2 criteria; Missense variant in a gene with low rate of benign missense mutations and for which missense mutation is a common mechanism of a disease. The variant satisfies PP3 criteria; For a missense or a splicing region variant, computational prediction tools unanimously support a deleterious effect on the gene. However, the variant satisfies BS2 criteria.

Literature cited by the submitters: PubMed 22693284.

NM_015215.4(CAMTA1):c.4183G>A (p.Val1395Met)

Gene: CAMTA1 (calmodulin binding transcription activator 1; plus strand). Cytogenetic location: 1p36.23.
Variant type: single nucleotide variant.
Coding change: c.4183G>A on transcript NM_015215.4 (MANE Select); coding-DNA position 4183, G replaced by A.
Protein change: p.Val1395Met; replaces valine 1395 with methionine.
Molecular consequence: missense variant.
Genome position (GRCh38, 1-based): chr1:7,744,835, G>A. VCF-style: chr1-7744835-G-A. GRCh37 (hg19) VCF-style: chr1-7804895-G-A.
Other names: c.4093G>A, p.Val1365Met (NM_001349608.2); c.3844G>A, p.Val1282Met (NM_001349609.2, NM_001410737.1, NM_001349610.2); c.916G>A, p.Val306Met (NM_001349620.1, NM_001349621.1, NM_001349622.2 and 5 more transcripts); c.3772G>A, p.Val1258Met (NM_001410738.1); c.3754G>A, p.Val1252Met (NM_001349612.2); c.1312G>A, p.Val438Met (NM_001349613.1); c.1255G>A, p.Val419Met (NM_001349614.1, NM_001349615.2, NM_001349616.2 and 2 more transcripts); short protein forms V1252M, V1258M, V1282M, V1365M, V1395M, V306M, V419M, V438M.
Identifiers: ClinVar variation 4819446 (VCV004819446.1).